The following is an entry in ClinVar:

ClinVar aggregate classification (germline): Uncertain significance (1 of 4 stars; one submission).

Allele frequency attached by ClinVar (database versions not stated): gnomAD exomes below 0.00001.
gnomAD v4.1: 2 of 1,599,594 alleles (0.00013%); highest among the groups gnomAD compares: Non-Finnish European, 0.00017%; no homozygotes.

Submission:

GeneDx
Classification: Uncertain significance. Last evaluated: 2016-06-28. Review status: criteria provided, single submitter. Criteria: GeneDx Variant Classification (06012015). Collection method: clinical testing. Allele origin: germline. Affected: yes.
Comment: The c.1860+3A>G variant in the BRAF gene has not been reported previously as a pathogenic variant nor as a benign variant, to our knowledge. This variant reduces the quality of the splice donor site in intron 15, which may result in abnormal gene splicing. The c.1860+3A>G variant was not observed in approximately 6,500 individuals of European and African American ancestry in the NHLBI Exome Sequencing Project, indicating it is not a common benign variant in these populations. We interpret c.1860+3A>G as a variant of uncertain significance.

NM_004333.6(BRAF):c.1860+3A>G

Gene: BRAF (B-Raf proto-oncogene, serine/threonine kinase; minus strand). Cytogenetic location: 7q34.
Variant type: single nucleotide variant.
Coding change: c.1860+3A>G on transcript NM_004333.6 (MANE Select); 3 bases into the intron after coding-DNA position 1860, A replaced by G.
Molecular consequence: intron variant.
Genome position (GRCh38, 1-based): chr7:140,753,272, T>C on the plus strand (A>G on the coding strand, the complement: BRAF is on the minus strand). VCF-style: chr7-140753272-T-C. GRCh37 (hg19) VCF-style: chr7-140453072-T-C.
Other names: c.1860+3A>G (NM_001378474.1, NM_001378468.1, NM_001354609.2); c.1758+3A>G (NM_001378470.1); c.1596+3A>G (NM_001378475.1); c.1749+3A>G (NM_001378471.1); c.1980+3A>G (NM_001374258.1, NM_001374244.1); c.1869+3A>G (NM_001378467.1); c.1704+3A>G (NM_001378472.1, NM_001378473.1); c.1794+3A>G (NM_001378469.1).
Identifiers: ClinVar variation 280677 (VCV000280677.2), dbSNP rs886041842, ClinGen allele CA10603017.